The following is an entry in ClinVar:

NM_021098.3(CACNA1H):c.628A>G (p.Ile210Val)

Gene: CACNA1H (calcium voltage-gated channel subunit alpha1 H; plus strand). Cytogenetic location: 16p13.3.
Variant type: single nucleotide variant.
Coding change: c.628A>G on transcript NM_021098.3 (MANE Select); coding-DNA position 628, A replaced by G.
Protein change: p.Ile210Val; replaces isoleucine 210 with valine.
Molecular consequence: missense variant.
Genome position (GRCh38, 1-based): chr16:1,196,008, A>G. VCF-style: chr16-1196008-A-G. GRCh37 (hg19) VCF-style: chr16-1246008-A-G.
Other names: c.628A>G, p.Ile210Val (NM_001005407.2); short protein forms I210V.
Identifiers: ClinVar variation 4788039 (VCV004788039.1).

ClinVar aggregate classification (germline): Uncertain significance (1 of 4 stars; one submission).

Conditions:
Idiopathic generalized epilepsy. Also called: EIG; Generalised epilepsy. Identifiers: MedGen C0270850, MONDO:0005579, OMIM 600669.
Hyperaldosteronism, familial, type IV (HALD4). Also called: FH IV; ALDOSTERONISM, PRIMARY, AND HYPERTENSION. Identifiers: Orphanet 642671, MedGen C4310756, MONDO:0014875, OMIM 617027.

Submission:

Labcorp Genetics (formerly Invitae), Labcorp
Classification: Uncertain significance for Idiopathic generalized epilepsy; Hyperaldosteronism, familial, type IV. Last evaluated: 2026-01-26. Review status: criteria provided, single submitter. Criteria: Invitae Variant Classification Sherloc (09022015). Collection method: clinical testing. Allele origin: germline.
Comment: This sequence change replaces isoleucine, which is neutral and non-polar, with valine, which is neutral and non-polar, at codon 210 of the CACNA1H protein (p.Ile210Val). This variant is not present in population databases (gnomAD no frequency). This variant has not been reported in the literature in individuals affected with CACNA1H-related conditions. Invitae Evidence Modeling of protein sequence and biophysical properties (such as structural, functional, and spatial information, amino acid conservation, physicochemical variation, residue mobility, and thermodynamic stability) indicates that this missense variant is expected to disrupt CACNA1H protein function with a positive predictive value of 80%. In summary, the available evidence is currently insufficient to determine the role of this variant in disease. Therefore, it has been classified as a Variant of Uncertain Significance.